The following is an entry in ClinVar:

NM_004329.3(BMPR1A):c.1484C>A (p.Ala495Glu)

Gene: BMPR1A (bone morphogenetic protein receptor type 1A; plus strand). Cytogenetic location: 10q23.2.
Variant type: single nucleotide variant.
Coding change: c.1484C>A on transcript NM_004329.3 (MANE Select); coding-DNA position 1484, C replaced by A.
Protein change: p.Ala495Glu; replaces alanine 495 with glutamic acid.
Molecular consequence: missense variant. On other transcripts: non-coding transcript variant (3).
Genome position (GRCh38, 1-based): chr10:86,923,604, C>A. VCF-style: chr10-86923604-C-A. GRCh37 (hg19) VCF-style: chr10-88683361-C-A.
Other names: c.1484C>A, p.Ala495Glu (NM_001406569.1, NM_001406570.1, NM_001406571.1 and 19 more transcripts); c.1478C>A, p.Ala493Glu (NM_001406583.1); c.1400C>A, p.Ala467Glu (NM_001406584.1, NM_001406585.1, NM_001406586.1 and 2 more transcripts); c.1142C>A, p.Ala381Glu (NM_001406589.1); c.1559C>A, p.Ala520Glu (NM_001406559.1); c.1532C>A, p.Ala511Glu (NM_001406560.1); short protein forms A381E, A467E, A493E, A495E, A511E, A520E.
Identifiers: ClinVar variation 3894401 (VCV003894401.1).

ClinVar aggregate classification (germline): Uncertain significance (1 of 4 stars; one submission).

Conditions:
Hereditary cancer-predisposing syndrome. Also called: Neoplastic Syndromes, Hereditary; Tumor predisposition; Hereditary Cancer Syndrome; Hereditary neoplastic syndrome. Identifiers: Orphanet 140162, MedGen C0027672, MeSH D009386, MONDO:0015356.

Submission:

Color Diagnostics, LLC DBA Color Health
Classification: Uncertain significance for Hereditary cancer-predisposing syndrome. Last evaluated: 2023-10-16. Review status: criteria provided, single submitter. Criteria: ACMG Guidelines, 2015. Collection method: clinical testing. Allele origin: germline.
Comment: This missense variant replaces alanine with glutamic acid at codon 495 of the BMPR1A protein. Computational prediction suggests that this variant may not impact protein structure and function (internally defined REVEL score threshold <= 0.5, PMID: 27666373). To our knowledge, functional studies have not been reported for this variant. This variant has not been reported in individuals affected with BMPR1A-related disorders in the literature. This variant has not been identified in the general population by the Genome Aggregation Database (gnomAD). The available evidence is insufficient to determine the role of this variant in disease conclusively. Therefore, this variant is classified as a Variant of Uncertain Significance.